The following is an entry in ClinVar:

ClinVar aggregate classification (germline): Uncertain significance (1 of 4 stars; one submission).

Conditions:
Familial adenomatous polyposis 1 (FAP1). Also called: FAMILIAL ADENOMATOUS POLYPOSIS 1, ATTENUATED; POLYPOSIS, ADENOMATOUS INTESTINAL. Identifiers: MedGen C2713442, MONDO:0021056, OMIM 175100. Disease mechanism: loss of function.

Allele frequency attached by ClinVar (database versions not stated): gnomAD exomes 0.00001.

Submission:

Labcorp Genetics (formerly Invitae), Labcorp
Classification: Uncertain significance for Familial adenomatous polyposis 1. Last evaluated: 2024-09-12. Review status: criteria provided, single submitter. Criteria: Invitae Variant Classification Sherloc (09022015). Collection method: clinical testing. Allele origin: germline.
Comment: This variant occurs in a non-coding region of the APC gene. It does not change the encoded amino acid sequence of the APC protein. The frequency data for this variant in the population databases is considered unreliable, as metrics indicate poor data quality at this position in the gnomAD database. This variant has not been reported in the literature in individuals affected with APC-related conditions. ClinVar contains an entry for this variant (Variation ID: 537655). Experimental studies and prediction algorithms are not available or were not evaluated, and the functional significance of this variant is currently unknown. In summary, the available evidence is currently insufficient to determine the role of this variant in disease. Therefore, it has been classified as a Variant of Uncertain Significance.

NM_001127511.3(APC):c.25C>A (p.Pro9Thr)

Gene: APC (APC regulator of Wnt signaling pathway; plus strand). Cytogenetic location: 5q22.2.
Variant type: single nucleotide variant.
Coding change: c.25C>A on transcript NM_001127511.3; coding-DNA position 25, C replaced by A.
Protein change: p.Pro9Thr; replaces proline 9 with threonine.
Molecular consequence: missense variant. On other transcripts: 5 prime UTR variant (8), non-coding transcript variant (1), intron variant (5).
Genome position (GRCh38, 1-based): chr5:112,707,742, C>A. VCF-style: chr5-112707742-C-A. GRCh37 (hg19) VCF-style: chr5-112043439-C-A.
Other names: c.-159C>A (NM_001354895.2, NM_001407447.1, NM_001407452.1 and 3 more transcripts); c.25C>A, p.Pro9Thr (NM_001354897.2, NM_001354902.2, NM_001407446.1); c.-1194C>A (NM_001407470.1, NM_001407472.1); c.-19+93C>A (NM_001407448.1, NM_001407450.1, NM_001407457.1 and 1 more transcripts); c.-43+93C>A (NM_001407453.1); short protein forms P9T.
Identifiers: ClinVar variation 537655 (VCV000537655.7), dbSNP rs1291188034, ClinGen allele CA360611647.